The following is an entry in ClinVar:

NM_015450.3(POT1):c.650C>T (p.Thr217Ile)

Gene: POT1 (protection of telomeres 1; minus strand). Cytogenetic location: 7q31.33.
Variant type: single nucleotide variant.
Coding change: c.650C>T on transcript NM_015450.3 (MANE Select); coding-DNA position 650, C replaced by T.
Protein change: p.Thr217Ile; replaces threonine 217 with isoleucine.
Molecular consequence: missense variant. On other transcripts: non-coding transcript variant (3).
Genome position (GRCh38, 1-based): chr7:124,859,009, G>A on the plus strand (C>T on the coding strand, the complement: POT1 is on the minus strand). VCF-style: chr7-124859009-G-A. GRCh37 (hg19) VCF-style: chr7-124499063-G-A.
Other names: c.257C>T, p.Thr86Ile (NM_001042594.2); short protein forms T217I, T86I.
Identifiers: ClinVar variation 4673843 (VCV004673843.2).

ClinVar aggregate classification (germline): Uncertain significance. Review status: criteria provided, multiple submitters, no conflicts (2 of 4 stars). 2 submissions from 2 submitters: Uncertain significance (2). Last evaluated 2025-11-19.

Conditions:
Hereditary cancer-predisposing syndrome. Also called: Neoplastic Syndromes, Hereditary; Tumor predisposition; Hereditary Cancer Syndrome; Hereditary neoplastic syndrome. Identifiers: Orphanet 140162, MedGen C0027672, MeSH D009386, MONDO:0015356.
Tumor predisposition syndrome 3 (TPDS3). Also called: Melanoma, cutaneous malignant, susceptibility to, 10; Glioma susceptibility 9; LONG TELOMERE SYNDROME, POT1-RELATED; POT1 Tumor Predisposition. Identifiers: Orphanet 618, MedGen C4014476, MONDO:0014368, OMIM 615848.

Submissions (2):

Ambry Genetics
Classification: Uncertain significance for Hereditary cancer-predisposing syndrome. Last evaluated: 2025-11-19. Review status: criteria provided, single submitter. Criteria: Ambry Variant Classification Scheme 2023. Collection method: clinical testing. Allele origin: germline.
Comment: The p.T217I variant (also known as c.650C>T), located in coding exon 5 of the POT1 gene, results from a C to T substitution at nucleotide position 650. The threonine at codon 217 is replaced by isoleucine, an amino acid with similar properties. This amino acid position is conserved. In addition, this alteration is predicted to be tolerated by in silico analysis. Based on the available evidence, the clinical significance of this variant remains unclear.

Labcorp Genetics (formerly Invitae), Labcorp
Classification: Uncertain significance for Tumor predisposition syndrome 3. Last evaluated: 2025-05-25. Review status: criteria provided, single submitter. Criteria: Invitae Variant Classification Sherloc (09022015). Collection method: clinical testing. Allele origin: germline.
Comment: This sequence change replaces threonine, which is neutral and polar, with isoleucine, which is neutral and non-polar, at codon 217 of the POT1 protein (p.Thr217Ile). This variant is not present in population databases (gnomAD no frequency). This variant has not been reported in the literature in individuals affected with POT1-related conditions. Invitae Evidence Modeling of protein sequence and biophysical properties (such as structural, functional, and spatial information, amino acid conservation, physicochemical variation, residue mobility, and thermodynamic stability) indicates that this missense variant is not expected to disrupt POT1 protein function with a negative predictive value of 80%. In summary, the available evidence is currently insufficient to determine the role of this variant in disease. Therefore, it has been classified as a Variant of Uncertain Significance.